The following is an entry in ClinVar:

NM_017654.4(SAMD9):c.584A>G (p.His195Arg)

Gene: SAMD9 (sterile alpha motif domain containing 9; minus strand). Cytogenetic location: 7q21.2.
Variant type: single nucleotide variant.
Coding change: c.584A>G on transcript NM_017654.4 (MANE Select); coding-DNA position 584, A replaced by G.
Protein change: p.His195Arg; replaces histidine 195 with arginine.
Molecular consequence: missense variant.
Genome position (GRCh38, 1-based): chr7:93,105,514, T>C on the plus strand (A>G on the coding strand, the complement: SAMD9 is on the minus strand). VCF-style: chr7-93105514-T-C. GRCh37 (hg19) VCF-style: chr7-92734827-T-C.
Other names: c.584A>G, p.His195Arg (NM_001193307.2); short protein forms H195R.
Identifiers: ClinVar variation 4863852 (VCV004863852.2).

ClinVar aggregate classification (germline): Uncertain significance. Review status: criteria provided, multiple submitters, no conflicts (2 of 4 stars). 2 submissions from 2 submitters: Uncertain significance (2). Last evaluated 2026-09-09.

Conditions:
Inborn genetic diseases. Identifiers: MedGen C0950123, MeSH D030342.
Monosomy 7 myelodysplasia and leukemia syndrome 2. Identifiers: MedGen C5436668, MONDO:0030801, OMIM 619041.

gnomAD v4.1: 1 of 1,614,148 alleles (0.000062%); highest among the groups gnomAD compares: Middle Eastern, 0.016%; no homozygotes.

Submissions (2):

Clinical Immunology, Karolinska University Hospital
Classification: Uncertain significance for Monosomy 7 myelodysplasia and leukemia syndrome 2. Last evaluated: 2026-09-09. Review status: criteria provided, single submitter. Criteria: ACMG Guidelines, 2015. Collection method: clinical testing. Allele origin: germline. Inheritance: Autosomal dominant inheritance. Affected: yes.
Comment: In vitro functional studies could not show a GoF mechanism for this variant.

Ambry Genetics
Classification: Uncertain significance for Inborn genetic diseases. Last evaluated: 2026-05-14. Review status: criteria provided, single submitter. Criteria: Ambry Variant Classification Scheme 2023. Collection method: clinical testing. Allele origin: germline.
Comment: The p.H195R variant (also known as c.584A>G), located in coding exon 1 of the SAMD9 gene, results from an A to G substitution at nucleotide position 584. The histidine at codon 195 is replaced by arginine, an amino acid with highly similar properties. This amino acid position is conserved. In addition, this alteration is predicted to be tolerated by in silico analysis. Based on the available evidence, the clinical significance of this variant remains unclear.